The following is an entry in ClinVar:

ClinVar aggregate classification (germline): Uncertain significance. Review status: criteria provided, single submitter (1 of 4 stars). 2 submissions from 2 submitters: Uncertain significance (1). 1 of the submissions does not count toward it. Last evaluated 2023-10-20.

Conditions:
Carnitine palmitoyltransferase II deficiency. Also called: Carnitine Palmitoyltransferase 2 Deficiency. Identifiers: Orphanet 157, MedGen C0342790, MONDO:0015515.

Submissions (2):

Labcorp Genetics (formerly Invitae), Labcorp
Classification: Uncertain significance for Carnitine palmitoyltransferase II deficiency. Last evaluated: 2023-10-20. Review status: criteria provided, single submitter. Criteria: Invitae Variant Classification Sherloc (09022015). Collection method: clinical testing. Allele origin: germline.
Comment: This sequence change replaces tyrosine, which is neutral and polar, with phenylalanine, which is neutral and non-polar, at codon 252 of the CPT2 protein (p.Tyr252Phe). This variant is not present in population databases (gnomAD no frequency). This variant has not been reported in the literature in individuals affected with CPT2-related conditions. ClinVar contains an entry for this variant (Variation ID: 956475). Advanced modeling of protein sequence and biophysical properties (such as structural, functional, and spatial information, amino acid conservation, physicochemical variation, residue mobility, and thermodynamic stability) performed at Invitae indicates that this missense variant is not expected to disrupt CPT2 protein function. In summary, the available evidence is currently insufficient to determine the role of this variant in disease. Therefore, it has been classified as a Variant of Uncertain Significance.

Natera, Inc.
Classification: Uncertain significance for Carnitine palmitoyltransferase II deficiency. Last evaluated: 2020-07-13. Review status: no assertion criteria provided. Collection method: clinical testing. Allele origin: germline. Not counted in ClinVar's aggregate classification.

NM_000098.3(CPT2):c.755A>T (p.Tyr252Phe)

Gene: CPT2 (carnitine palmitoyltransferase 2; plus strand). Cytogenetic location: 1p32.3.
Variant type: single nucleotide variant.
Coding change: c.755A>T on transcript NM_000098.3 (MANE Select); coding-DNA position 755, A replaced by T.
Protein change: p.Tyr252Phe; replaces tyrosine 252 with phenylalanine.
Molecular consequence: missense variant.
Genome position (GRCh38, 1-based): chr1:53,210,429, A>T. VCF-style: chr1-53210429-A-T. GRCh37 (hg19) VCF-style: chr1-53676101-A-T.
Other names: c.755A>T, p.Tyr252Phe (NM_001330589.2); short protein forms Y252F.
Identifiers: ClinVar variation 956475 (VCV000956475.10), dbSNP rs1282285790, ClinGen allele CA340393588.